The following is an entry in ClinVar:

ClinVar aggregate classification (germline): Uncertain significance (1 of 4 stars; one submission).

Conditions:
T-cell immunodeficiency with epidermodysplasia verruciformis. Identifiers: Orphanet 324294, MedGen C4749500, MONDO:0017925.

Allele frequency attached by ClinVar (database versions not stated): gnomAD exomes below 0.00001.
gnomAD v4.1: 3 of 1,614,126 alleles (0.00019%); highest among the groups gnomAD compares: East Asian, 0.0022%; no homozygotes.

Submission:

Labcorp Genetics (formerly Invitae), Labcorp
Classification: Uncertain significance for T-cell immunodeficiency with epidermodysplasia verruciformis. Last evaluated: 2022-04-04. Review status: criteria provided, single submitter. Criteria: Invitae Variant Classification Sherloc (09022015). Collection method: clinical testing. Allele origin: germline.
Comment: This variant is not present in population databases (gnomAD no frequency). This sequence change replaces asparagine, which is neutral and polar, with serine, which is neutral and polar, at codon 132 of the RHOH protein (p.Asn132Ser). This variant has not been reported in the literature in individuals affected with RHOH-related conditions. In summary, the available evidence is currently insufficient to determine the role of this variant in disease. Therefore, it has been classified as a Variant of Uncertain Significance. Algorithms developed to predict the effect of missense changes on protein structure and function output the following: SIFT: "Tolerated"; PolyPhen-2: "Benign"; Align-GVGD: "Class C0". The serine amino acid residue is found in multiple mammalian species, which suggests that this missense change does not adversely affect protein function.

NM_004310.5(RHOH):c.395A>G (p.Asn132Ser)

Gene: RHOH (ras homolog family member H; plus strand). Cytogenetic location: 4p14.
Variant type: single nucleotide variant.
Coding change: c.395A>G on transcript NM_004310.5 (MANE Select); coding-DNA position 395, A replaced by G.
Protein change: p.Asn132Ser; replaces asparagine 132 with serine.
Molecular consequence: missense variant.
Genome position (GRCh38, 1-based): chr4:40,243,781, A>G. VCF-style: chr4-40243781-A-G. GRCh37 (hg19) VCF-style: chr4-40245401-A-G.
Other names: c.395A>G, p.Asn132Ser (NM_001278359.2, NM_001278360.2, NM_001278361.2 and 8 more transcripts); short protein forms N132S.
Identifiers: ClinVar variation 2191555 (VCV002191555.4), dbSNP rs1729555779, ClinGen allele CA356782511.